The following is an entry in ClinVar:

ClinVar aggregate classification (germline): Uncertain significance. Review status: criteria provided, multiple submitters, no conflicts (2 of 4 stars). 2 submissions from 2 submitters: Uncertain significance (2). Last evaluated 2024-04-17.

Conditions:
Hereditary cancer-predisposing syndrome. Also called: Neoplastic Syndromes, Hereditary; Hereditary Cancer Syndrome; Hereditary neoplastic syndrome; Tumor predisposition. Identifiers: Orphanet 140162, MedGen C0027672, MeSH D009386, MONDO:0015356.
Familial cancer of breast. Also called: BREAST CANCER, FAMILIAL; Hereditary breast cancer; hereditary breast carcinoma. Identifiers: Orphanet 227535, MedGen C0346153, MONDO:0016419, OMIM 114480. Disease mechanism: loss of function.

Allele frequency attached by ClinVar (database versions not stated): gnomAD 0.00001.
gnomAD v4.1: 1 of 1,613,968 alleles (0.000062%); highest among the groups gnomAD compares: Admixed American, 0.0017%; no homozygotes.

Submissions (2):

Ambry Genetics
Classification: Uncertain significance for Hereditary cancer-predisposing syndrome. Last evaluated: 2024-04-17. Review status: criteria provided, single submitter. Criteria: Ambry Variant Classification Scheme 2023. Collection method: clinical testing. Allele origin: germline.
Comment: The p.K484E variant (also known as c.1450A>G), located in coding exon 6 of the BARD1 gene, results from an A to G substitution at nucleotide position 1450. The lysine at codon 484 is replaced by glutamic acid, an amino acid with similar properties. This amino acid position is not well conserved in available vertebrate species. In addition, this alteration is predicted to be tolerated by in silico analysis. Since supporting evidence is limited at this time, the clinical significance of this alteration remains unclear.

Labcorp Genetics (formerly Invitae), Labcorp
Classification: Uncertain significance for Familial cancer of breast. Last evaluated: 2021-08-27. Review status: criteria provided, single submitter. Criteria: Invitae Variant Classification Sherloc (09022015). Collection method: clinical testing. Allele origin: germline.
Comment: In summary, the available evidence is currently insufficient to determine the role of this variant in disease. Therefore, it has been classified as a Variant of Uncertain Significance. Algorithms developed to predict the effect of missense changes on protein structure and function (SIFT, PolyPhen-2, Align-GVGD) all suggest that this variant is likely to be tolerated. This variant has not been reported in the literature in individuals affected with BARD1-related conditions. This variant is not present in population databases (ExAC no frequency). This sequence change replaces lysine with glutamic acid at codon 484 of the BARD1 protein (p.Lys484Glu). The lysine residue is moderately conserved and there is a small physicochemical difference between lysine and glutamic acid.

NM_000465.4(BARD1):c.1450A>G (p.Lys484Glu)

Gene: BARD1 (BRCA1 associated RING domain 1; minus strand). Cytogenetic location: 2q35.
Variant type: single nucleotide variant.
Coding change: c.1450A>G on transcript NM_000465.4 (MANE Select); coding-DNA position 1450, A replaced by G.
Protein change: p.Lys484Glu; replaces lysine 484 with glutamic acid.
Molecular consequence: missense variant. On other transcripts: non-coding transcript variant (3), intron variant (3).
Genome position (GRCh38, 1-based): chr2:214,767,600, T>C on the plus strand (A>G on the coding strand, the complement: BARD1 is on the minus strand). VCF-style: chr2-214767600-T-C. GRCh37 (hg19) VCF-style: chr2-215632324-T-C.
Other names: c.1393A>G, p.Lys465Glu (NM_001282543.2); c.159-15045A>G (NM_001282548.2); c.216-15045A>G (NM_001282545.2); c.364+24697A>G (NM_001282549.2); short protein forms K484E, K465E.
Identifiers: ClinVar variation 1422566 (VCV001422566.10), dbSNP rs1694273552, ClinGen allele CA350448519.